The following is an entry in ClinVar:

NM_003906.5(MCM3AP):c.1822C>T (p.Arg608Cys)

Gene: MCM3AP (minichromosome maintenance complex component 3 associated protein; minus strand). Cytogenetic location: 21q22.3.
Variant type: single nucleotide variant.
Coding change: c.1822C>T on transcript NM_003906.5 (MANE Select); coding-DNA position 1822, C replaced by T.
Protein change: p.Arg608Cys; replaces arginine 608 with cysteine.
Molecular consequence: missense variant.
Genome position (GRCh38, 1-based): chr21:46,277,563, G>A on the plus strand (C>T on the coding strand, the complement: MCM3AP is on the minus strand). VCF-style: chr21-46277563-G-A. GRCh37 (hg19) VCF-style: chr21-47697477-G-A.
Other names: c.1822C>T (NM_003906.3); short protein forms R608C.
Identifiers: ClinVar variation 1901878 (VCV001901878.4), dbSNP rs755873464, ClinGen allele CA10076979.
Genomic context (GRCh38, chr21:46,277,563, plus strand): 5'-AACCTCTGCCACCAAGTGCCATACCTTGCCGCATGATCCTGTCTCTCTGGTCAAGCAGGC[G>A]GTACTTCTCCTTGGATGTCTCAGCCACAGTGCCTATCAGGGTACTGAGGGAGAGCACACA-3'
Protein context (NP_003897.2, residues 598-618): TVAETSKEKY[Arg608Cys]LLDQRDRIMR

ClinVar aggregate classification (germline): Uncertain significance. Review status: criteria provided, multiple submitters, no conflicts (2 of 4 stars). 2 submissions from 2 submitters: Uncertain significance (2). Last evaluated 2023-02-22.

Conditions:
Inborn genetic diseases. Identifiers: MedGen C0950123, MeSH D030342.

Allele frequency attached by ClinVar (database versions not stated): TOPMed 0.00001.
gnomAD v4.1: 84 of 1,599,216 alleles (0.0053%); highest among the groups gnomAD compares: Non-Finnish European, 0.007%; no homozygotes.

Submissions (2):

Ambry Genetics
Classification: Uncertain significance for Inborn genetic diseases. Last evaluated: 2023-02-22. Review status: criteria provided, single submitter. Criteria: Ambry Variant Classification Scheme 2023. Collection method: clinical testing. Allele origin: germline.

Labcorp Genetics (formerly Invitae), Labcorp
Classification: Uncertain significance. Last evaluated: 2022-02-19. Review status: criteria provided, single submitter. Criteria: Invitae Variant Classification Sherloc (09022015). Collection method: clinical testing. Allele origin: germline.
Comment: This sequence change replaces arginine, which is basic and polar, with cysteine, which is neutral and slightly polar, at codon 608 of the MCM3AP protein (p.Arg608Cys). This variant is present in population databases (rs755873464, gnomAD 0.004%). This variant has not been reported in the literature in individuals affected with MCM3AP-related conditions. Algorithms developed to predict the effect of missense changes on protein structure and function (SIFT, PolyPhen-2, Align-GVGD) all suggest that this variant is likely to be disruptive. In summary, the available evidence is currently insufficient to determine the role of this variant in disease. Therefore, it has been classified as a Variant of Uncertain Significance.